The following is an entry in ClinVar:

ClinVar aggregate classification (germline): Benign/Likely benign. Review status: criteria provided, multiple submitters, no conflicts (2 of 4 stars). 3 submissions from 3 submitters: Benign (1); Likely benign (2). Last evaluated 2025-01-24.

Conditions:
Lynch syndrome 4 (LYNCH4). Also called: Colorectal cancer, hereditary nonpolyposis, type 4; Hereditary non-polyposis colorectal cancer, type 4. Identifiers: Orphanet 144, MedGen C1838333, MONDO:0013699, OMIM 614337. Disease mechanism: loss of function.
Hereditary nonpolyposis colorectal neoplasms. Identifiers: MedGen C0009405, MeSH D003123.
Hereditary cancer-predisposing syndrome. Also called: Neoplastic Syndromes, Hereditary; Tumor predisposition; Hereditary Cancer Syndrome; Hereditary neoplastic syndrome. Identifiers: Orphanet 140162, MedGen C0027672, MeSH D009386, MONDO:0015356.

Allele frequency attached by ClinVar (database versions not stated): gnomAD exomes below 0.00001; TOPMed below 0.00001.

Submissions (3):

Myriad Genetics, Inc.
Classification: Benign for Lynch syndrome 4. Last evaluated: 2025-01-24. Review status: criteria provided, single submitter. Criteria: Myriad Autosomal Dominant, Autosomal Recessive and X-Linked Classification Criteria (2023). Collection method: clinical testing. Allele origin: unknown.
Comment: This variant is considered benign. This variant is a silent/synonymous amino acid change and it is not expected to impact splicing.

Labcorp Genetics (formerly Invitae), Labcorp
Classification: Likely benign for Hereditary nonpolyposis colorectal neoplasms. Last evaluated: 2022-06-14. Review status: criteria provided, single submitter. Criteria: Invitae Variant Classification Sherloc (09022015). Collection method: clinical testing. Allele origin: germline.

Ambry Genetics
Classification: Likely benign for Hereditary cancer-predisposing syndrome. Last evaluated: 2015-06-30. Review status: criteria provided, single submitter. Criteria: Ambry Variant Classification Scheme 2023. Collection method: clinical testing. Allele origin: germline.

NM_000535.7(PMS2):c.417C>T (p.His139=)

Gene: PMS2 (PMS1 homolog 2, mismatch repair system component; minus strand). Cytogenetic location: 7p22.1.
Variant type: single nucleotide variant.
Coding change: c.417C>T on transcript NM_000535.7 (MANE Select); coding-DNA position 417, C replaced by T.
Protein change: p.His139=; no amino-acid change (histidine 139 retained).
Molecular consequence: synonymous variant. On other transcripts: 5 prime UTR variant (2), non-coding transcript variant (1).
Genome position (GRCh38, 1-based): chr7:6,002,573, G>A on the plus strand (C>T on the coding strand, the complement: PMS2 is on the minus strand). VCF-style: chr7-6002573-G-A. GRCh37 (hg19) VCF-style: chr7-6042204-G-A.
Other names: c.12C>T, p.His4= (NM_001322003.2, NM_001322004.2, NM_001322005.2 and 3 more transcripts); c.417C>T, p.His139= (NM_001322006.2, NM_001322014.2); c.99C>T, p.His33= (NM_001322007.2, NM_001322008.2); c.-468C>T (NM_001322011.2, NM_001322012.2); c.108C>T, p.His36= (NM_001322015.2).
Identifiers: ClinVar variation 232682 (VCV000232682.14), dbSNP rs876659919, ClinGen allele CA10578713.
Genomic context (GRCh38, chr7:6,002,573, plus strand): 5'-CACGCTGACTGTGGTCCCTCTGGGGCGGGGGTAGGGGGTTTTCTGGATAATTTTCCCATT[G>A]TGATCAAACATCAGTCGAGTTCCAACCTTCGCCGATGCGTGGCAGGTAGAAATGGTGACA-3'
Protein context (NP_000526.2, residues 129-149): AKVGTRLMFD[His139=]NGKIIQKTPY